The following is an entry in ClinVar:

NM_001374736.1(DST):c.2047G>A (p.Glu683Lys)

Gene: DST (dystonin; minus strand). Cytogenetic location: 6p12.1.
Variant type: single nucleotide variant.
Coding change: c.2047G>A on transcript NM_001374736.1 (MANE Select); coding-DNA position 2047, G replaced by A.
Protein change: p.Glu683Lys; replaces glutamic acid 683 with lysine.
Molecular consequence: missense variant.
Genome position (GRCh38, 1-based): chr6:56,640,586, C>T on the plus strand (G>A on the coding strand, the complement: DST is on the minus strand). VCF-style: chr6-56640586-C-T. GRCh37 (hg19) VCF-style: chr6-56505384-C-T.
Other names: c.1948G>A, p.Glu650Lys (NM_001144769.5); c.1534G>A, p.Glu512Lys (NM_001144770.2); c.2047G>A, p.Glu683Lys (NM_001374722.1); c.1414G>A, p.Glu472Lys (NM_001374729.1, NM_001374730.1, NM_001386100.1 and 1 more transcripts); c.2074G>A, p.Glu692Lys (NM_001374734.1); c.436G>A, p.Glu146Lys (NM_001723.7, NM_015548.5); short protein forms E146K, E472K, E512K, E650K, E683K, E692K.
Identifiers: ClinVar variation 1490558 (VCV001490558.4), dbSNP rs781004024, ClinGen allele CA3871491.

ClinVar aggregate classification (germline): Uncertain significance (1 of 4 stars; one submission).

Conditions:
Epidermolysis bullosa simplex 3, localized or generalized intermediate, with BP230 deficiency (EBS3). Also called: Epidermolysis bullosa simplex, autosomal recessive 2; Epidermolysis bullosa simplex due to BP230 deficiency. Identifiers: Orphanet 412181, MedGen C3809470, MONDO:0014180, OMIM 615425.
Hereditary sensory and autonomic neuropathy type 6. Also called: Neuropathy, hereditary sensory and autonomic, type VI; HSAN VI. Identifiers: Orphanet 314381, MedGen C3539003, MONDO:0013839, OMIM 614653.

Allele frequency attached by ClinVar (database versions not stated): gnomAD exomes 0.00001 and 0.00002; TOPMed 0.00002; gnomAD 0.00004; ExAC 0.00005.
gnomAD v4.1: 20 of 1,613,994 alleles (0.0012%); highest among the groups gnomAD compares: African/African-American, 0.004%; no homozygotes.

Submission:

Labcorp Genetics (formerly Invitae), Labcorp
Classification: Uncertain significance for Epidermolysis bullosa simplex 3, localized or generalized intermediate, with BP230 deficiency; Hereditary sensory and autonomic neuropathy type 6. Last evaluated: 2021-08-23. Review status: criteria provided, single submitter. Criteria: Invitae Variant Classification Sherloc (09022015). Collection method: clinical testing. Allele origin: germline.
Comment: This sequence change replaces glutamic acid with lysine at codon 146 of the DST protein (p.Glu146Lys). The glutamic acid residue is highly conserved and there is a small physicochemical difference between glutamic acid and lysine. This variant is present in population databases (rs781004024, ExAC 0.009%). This variant has not been reported in the literature in individuals affected with DST-related conditions. Algorithms developed to predict the effect of missense changes on protein structure and function are either unavailable or do not agree on the potential impact of this missense change (SIFT: "Deleterious"; PolyPhen-2: "Possibly Damaging"; Align-GVGD: "Class C15"). In summary, the available evidence is currently insufficient to determine the role of this variant in disease. Therefore, it has been classified as a Variant of Uncertain Significance.